The following is an entry in ClinVar:

ClinVar aggregate classification (germline): Uncertain significance (1 of 4 stars; one submission).

Conditions:
Hereditary cancer-predisposing syndrome. Also called: Neoplastic Syndromes, Hereditary; Tumor predisposition; Hereditary Cancer Syndrome; Hereditary neoplastic syndrome. Identifiers: Orphanet 140162, MedGen C0027672, MeSH D009386, MONDO:0015356.

Submission:

Ambry Genetics
Classification: Uncertain significance for Hereditary cancer-predisposing syndrome. Last evaluated: 2026-04-19. Review status: criteria provided, single submitter. Criteria: Ambry Variant Classification Scheme 2023. Collection method: clinical testing. Allele origin: germline.
Comment: The p.E349K variant (also known as c.1045G>A), located in coding exon 10 of the SMARCE1 gene, results from a G to A substitution at nucleotide position 1045. The glutamic acid at codon 349 is replaced by lysine, an amino acid with similar properties. This amino acid position is conserved. In addition, this alteration is predicted to be tolerated by in silico analysis. Based on the available evidence, the clinical significance of this variant remains unclear.

NM_003079.5(SMARCE1):c.1045G>A (p.Glu349Lys)

Gene: SMARCE1 (SWI/SNF related BAF chromatin remodeling complex subunit E1; minus strand). Cytogenetic location: 17q21.2.
Variant type: single nucleotide variant.
Coding change: c.1045G>A on transcript NM_003079.5 (MANE Select); coding-DNA position 1045, G replaced by A.
Protein change: p.Glu349Lys; replaces glutamic acid 349 with lysine.
Molecular consequence: missense variant.
Genome position (GRCh38, 1-based): chr17:40,628,976, C>T on the plus strand (G>A on the coding strand, the complement: SMARCE1 is on the minus strand). VCF-style: chr17-40628976-C-T. GRCh37 (hg19) VCF-style: chr17-38785228-C-T.
Other names: short protein forms E349K.
Identifiers: ClinVar variation 4864867 (VCV004864867.1).